The following is an entry in ClinVar:

ClinVar aggregate classification (germline): Uncertain significance (1 of 4 stars; one submission).

Submission:

GeneDx
Classification: Uncertain significance. Last evaluated: 2023-11-15. Review status: criteria provided, single submitter. Criteria: GeneDx Variant Classification Process June 2021. Collection method: clinical testing. Allele origin: germline. Affected: yes.
Comment: Not observed at significant frequency in large population cohorts (gnomAD); In silico analysis supports that this missense variant has a deleterious effect on protein structure/function; Has not been previously published as pathogenic or benign to our knowledge

NM_003470.3(USP7):c.1927G>T (p.Asp643Tyr)

Gene: USP7 (ubiquitin specific peptidase 7; minus strand). Cytogenetic location: 16p13.2.
Variant type: single nucleotide variant.
Coding change: c.1927G>T on transcript NM_003470.3 (MANE Select); coding-DNA position 1927, G replaced by T.
Protein change: p.Asp643Tyr; replaces aspartic acid 643 with tyrosine.
Molecular consequence: missense variant. On other transcripts: non-coding transcript variant (1).
Genome position (GRCh38, 1-based): chr16:8,902,395, C>A on the plus strand (G>T on the coding strand, the complement: USP7 is on the minus strand). VCF-style: chr16-8902395-C-A. GRCh37 (hg19) VCF-style: chr16-8996252-C-A.
Other names: c.1879G>T, p.Asp627Tyr (NM_001286457.2); c.1630G>T, p.Asp544Tyr (NM_001286458.2); c.1753G>T, p.Asp585Tyr (NM_001321858.2); short protein forms D544Y, D585Y, D627Y, D643Y.
Identifiers: ClinVar variation 3364159 (VCV003364159.1).
Genomic context (GRCh38, chr16:8,902,395, plus strand): 5'-GCCTTCTGCACGGTTCCAAACCAGATACGCTATTAACAATATTTACTGTTTTATTGCCGT[C>A]GGCTTCATTATCTAACATTGCTGGTCGTTTTGTTCCATTACTCCTTGCTTGCATGGGCCA-3'
Protein context (NP_003461.2, residues 633-653): KRPAMLDNEA[Asp643Tyr]GNKTMIELSD